The following is an entry in ClinVar:

ClinVar aggregate classification (germline): Uncertain significance (1 of 4 stars; one submission).

Conditions:
Dystonia 5 (DRD). Also called: Dystonia, DOPA-responsive, with or without hyperphenylalaninemia; GTP Cyclohydrolase 1-Deficient Dopa-Responsive Dystonia; DYT-GCH1; DYSTONIA, PROGRESSIVE, WITH DIURNAL VARIATION; DYSTONIA-PARKINSONISM WITH DIURNAL FLUCTUATION. Identifiers: Orphanet 98808, MedGen C1851920, MONDO:0007495, OMIM 128230.
GTP cyclohydrolase I deficiency. Identifiers: MedGen C0268467, MONDO:0100184.

Submission:

Labcorp Genetics (formerly Invitae), Labcorp
Classification: Uncertain significance for GTP cyclohydrolase I deficiency; Dystonia 5. Last evaluated: 2022-06-20. Review status: criteria provided, single submitter. Criteria: Invitae Variant Classification Sherloc (09022015). Collection method: clinical testing. Allele origin: germline.
Comment: This variant results in a copy number gain of the genomic region encompassing exon(s) 2-6 of the GCH1 gene. This region includes the termination codon of the gene. This copy number gain extends beyond the assayed region for this gene and therefore may encompass additional genes. As the precise location of this event is unknown, it may be in tandem or it may be located elsewhere in the genome. This variant has not been reported in the literature in individuals affected with GCH1-related conditions. Experimental studies and prediction algorithms are not available or were not evaluated, and the functional significance of this variant is currently unknown. In summary, the available evidence is currently insufficient to determine the role of this variant in disease. Therefore, it has been classified as a Variant of Uncertain Significance.

NC_000014.8:g.(?_55310492)_(55332164_?)dup

Gene: GCH1 (GTP cyclohydrolase 1; minus strand). Cytogenetic location: 14q22.2.
Variant type: Duplication.
Identifiers: ClinVar variation 1046213 (VCV001046213.5).